The following is an entry in ClinVar:

ClinVar aggregate classification (germline): Uncertain significance. Review status: criteria provided, multiple submitters, no conflicts (2 of 4 stars). 2 submissions from 2 submitters: Uncertain significance (2). Last evaluated 2025-04-25.

Conditions:
Inborn genetic diseases. Identifiers: MedGen C0950123, MeSH D030342.
Methylmalonic aciduria and homocystinuria type cblF. Also called: COBALAMIN F DISEASE; COBALAMIN, DEFECT IN LYSOSOMAL RELEASE OF; METHYLMALONIC ACIDEMIA AND HOMOCYSTINURIA, cblF TYPE; METHYLMALONIC ACIDURIA DUE TO VITAMIN B12-RELEASE DEFECT; VITAMIN B12 LYSOSOMAL RELEASE DEFECT; VITAMIN B12 STORAGE DISEASE. Identifiers: Orphanet 79284, MedGen C1848578, MONDO:0010183, OMIM 277380.

Allele frequency attached by ClinVar (database versions not stated): gnomAD exomes below 0.00001; ExAC 0.00003; TOPMed 0.00003; gnomAD 0.00004; 1000 Genomes Project 0.00040; 1000 Genomes Project 30x 0.00047.
gnomAD v4.1: 13 of 1,612,830 alleles (0.00081%); highest among the groups gnomAD compares: Admixed American, 0.0033%; no homozygotes.

Submissions (2):

Ambry Genetics
Classification: Uncertain significance for Inborn genetic diseases. Last evaluated: 2025-04-25. Review status: criteria provided, single submitter. Criteria: Ambry Variant Classification Scheme 2023. Collection method: clinical testing. Allele origin: germline.

Labcorp Genetics (formerly Invitae), Labcorp
Classification: Uncertain significance for Methylmalonic aciduria and homocystinuria type cblF. Last evaluated: 2022-10-13. Review status: criteria provided, single submitter. Criteria: Invitae Variant Classification Sherloc (09022015). Collection method: clinical testing. Allele origin: germline.
Comment: This sequence change replaces arginine, which is basic and polar, with cysteine, which is neutral and slightly polar, at codon 234 of the LMBRD1 protein (p.Arg234Cys). This variant is present in population databases (rs200207509, gnomAD 0.007%). This variant has not been reported in the literature in individuals affected with LMBRD1-related conditions. Algorithms developed to predict the effect of missense changes on protein structure and function (SIFT, PolyPhen-2, Align-GVGD) all suggest that this variant is likely to be disruptive. In summary, the available evidence is currently insufficient to determine the role of this variant in disease. Therefore, it has been classified as a Variant of Uncertain Significance.

NM_018368.4(LMBRD1):c.700C>T (p.Arg234Cys)

Gene: LMBRD1 (LMBR1 domain containing 1; minus strand). Cytogenetic location: 6q13.
Variant type: single nucleotide variant.
Coding change: c.700C>T on transcript NM_018368.4 (MANE Select); coding-DNA position 700, C replaced by T.
Protein change: p.Arg234Cys; replaces arginine 234 with cysteine.
Molecular consequence: missense variant.
Genome position (GRCh38, 1-based): chr6:69,719,018, G>A on the plus strand (C>T on the coding strand, the complement: LMBRD1 is on the minus strand). VCF-style: chr6-69719018-G-A. GRCh37 (hg19) VCF-style: chr6-70428910-G-A.
Other names: c.481C>T, p.Arg161Cys (NM_001363722.2, NM_001367271.1, NM_001367272.1); c.700C>T (NM_018368.3); short protein forms R161C, R234C.
Identifiers: ClinVar variation 2421407 (VCV002421407.3), dbSNP rs200207509, ClinGen allele CA3879808.
Genomic context (GRCh38, chr6:69,719,018, plus strand): 5'-TTGATTTAATCGTTTGAATGTGTTGTTCTACTTCTTCAATGTCTTCAGTGTTTTCCAAAC[G>A]TTCATAAGCAGCGCTTCTAGTGCCTTTTATCAGATTTAAAGGTAACGCAGACATGCCATA-3'
Protein context (NP_060838.3, residues 224-244): IKGTRSAAYE[Arg234Cys]LENTEDIEEV